The following is an entry in ClinVar:

ClinVar aggregate classification (germline): Uncertain significance (1 of 4 stars; one submission).

Conditions:
Distal hereditary motor neuropathy type 2. Identifiers: Orphanet 139525, MedGen C3711384, MeSH C580044, MONDO:0015352.

Submission:

Labcorp Genetics (formerly Invitae), Labcorp
Classification: Uncertain significance for Distal hereditary motor neuropathy type 2. Last evaluated: 2022-07-26. Review status: criteria provided, single submitter. Criteria: Invitae Variant Classification Sherloc (09022015). Collection method: clinical testing. Allele origin: germline.
Comment: This sequence change replaces aspartic acid, which is acidic and polar, with tyrosine, which is neutral and polar, at codon 601 of the FBXO38 protein (p.Asp601Tyr). This variant is not present in population databases (gnomAD no frequency). This variant has not been reported in the literature in individuals affected with FBXO38-related conditions. ClinVar contains an entry for this variant (Variation ID: 1466018). Algorithms developed to predict the effect of missense changes on protein structure and function are either unavailable or do not agree on the potential impact of this missense change (SIFT: "Deleterious"; PolyPhen-2: "Probably Damaging"; Align-GVGD: "Class C0"). In summary, the available evidence is currently insufficient to determine the role of this variant in disease. Therefore, it has been classified as a Variant of Uncertain Significance.

NM_205836.3(FBXO38):c.1801G>T (p.Asp601Tyr)

Gene: FBXO38 (F-box protein 38; plus strand). Cytogenetic location: 5q32.
Variant type: single nucleotide variant.
Coding change: c.1801G>T on transcript NM_205836.3 (MANE Select); coding-DNA position 1801, G replaced by T.
Protein change: p.Asp601Tyr; replaces aspartic acid 601 with tyrosine.
Molecular consequence: missense variant.
Genome position (GRCh38, 1-based): chr5:148,425,584, G>T. VCF-style: chr5-148425584-G-T. GRCh37 (hg19) VCF-style: chr5-147805147-G-T.
Other names: c.1801G>T, p.Asp601Tyr (NM_001271723.2, NM_030793.5); short protein forms D601Y.
Identifiers: ClinVar variation 1466018 (VCV001466018.6), dbSNP rs2113621540, ClinGen allele CA361655489.